The following is an entry in ClinVar:

ClinVar aggregate classification (germline): Pathogenic (1 of 4 stars; one submission).

Submission:

Labcorp Genetics (formerly Invitae), Labcorp
Classification: Pathogenic. Last evaluated: 2024-10-24. Review status: criteria provided, single submitter. Criteria: Invitae Variant Classification Sherloc (09022015). Collection method: clinical testing. Allele origin: germline.
Comment: This sequence change creates a premature translational stop signal (p.Asp209Glufs*16) in the NFKB1 gene. It is expected to result in an absent or disrupted protein product. Loss-of-function variants in NFKB1 are known to be pathogenic (PMID: 26279205, 29477724). This variant is not present in population databases (gnomAD no frequency). This variant has not been reported in the literature in individuals affected with NFKB1-related conditions. For these reasons, this variant has been classified as Pathogenic.

Literature cited by the submitters: PubMed 26279205; PubMed 29477724.

NM_003998.4(NFKB1):c.626dup (p.Asp209fs)

Gene: NFKB1 (nuclear factor kappa B subunit 1; plus strand). Cytogenetic location: 4q24.
Variant type: Duplication.
Coding change: c.626dup on transcript NM_003998.4 (MANE Select); coding-DNA position 626, one base duplicated (A; older notation c.626dupA).
Protein change: p.Asp209fs; shifts the reading frame from aspartic acid 209.
Molecular consequence: frameshift variant.
Genome position (GRCh38, 1-based): chr4:102,578,935, A duplicated. VCF-style (leftmost placement, unchanged base first): chr4-102578934-G-GA. GRCh37 (hg19) VCF-style: chr4-103500091-G-GA.
Other names: c.623dup, p.Asp208fs (NM_001165412.2, NM_001319226.2, NM_001382627.1); c.626dup, p.Asp209fs (NM_001382625.1, NM_001382626.1); c.584dup, p.Asp195fs (NM_001382628.1); short protein forms D195fs, D209fs, D208fs.
Identifiers: ClinVar variation 3723701 (VCV003723701.2).
Genomic context (GRCh38, chr4:102,578,934, plus strand): 5'-GCCCTAGATCGGGAAAAAGAGCTAATCCGCCAAGCAGCTCTGCAGCAGACCAAGGAGATG[G>GA]ACCTCAGCGTGGTGCGGCTCATGTTTACAGCTTTTCTTCCGGATAGCACTGGCAGCTTCA-3'